The following is an entry in ClinVar:

NM_000535.7(PMS2):c.1737del (p.Phe579fs)

Gene: PMS2 (PMS1 homolog 2, mismatch repair system component; minus strand). Cytogenetic location: 7p22.1.
Variant type: Deletion.
Coding change: c.1737del on transcript NM_000535.7 (MANE Select); coding-DNA position 1737, one base deleted (T; older notation c.1737delT).
Protein change: p.Phe579fs; shifts the reading frame from phenylalanine 579.
Molecular consequence: frameshift variant. On other transcripts: non-coding transcript variant (1).
Genome position (GRCh38, 1-based): chr7:5,987,028, A deleted on the plus strand (T on the coding strand, the reverse complement: PMS2 is on the minus strand); the first of 4 consecutive A bases (chr7:5,987,028-5,987,031); deleting any one gives the same sequence. VCF-style (leftmost placement, unchanged base first): chr7-5987027-TA-T. GRCh37 (hg19) VCF-style: chr7-6026658-TA-T.
Other names: c.1332del, p.Phe444fs (NM_001322003.2, NM_001322004.2, NM_001322005.2 and 1 more transcripts); c.1581del, p.Phe527fs (NM_001322006.2); c.1419del, p.Phe473fs (NM_001322007.2, NM_001322008.2); c.1176del, p.Phe392fs (NM_001322010.2); c.804del, p.Phe268fs (NM_001322011.2, NM_001322012.2); c.1164del, p.Phe388fs (NM_001322013.2); c.1737del, p.Phe579fs (NM_001322014.2); c.1428del, p.Phe476fs (NM_001322015.2); short protein forms F473fs, F476fs, F579fs, F268fs, F388fs, F392fs, F444fs, F527fs.
Identifiers: ClinVar variation 926409 (VCV000926409.4), dbSNP rs1782994894, ClinGen allele CA913188226.

ClinVar aggregate classification (germline): Pathogenic. Review status: criteria provided, multiple submitters, no conflicts (2 of 4 stars). 2 submissions from 2 submitters: Pathogenic (2). Last evaluated 2023-09-20.

Conditions:
Hereditary cancer-predisposing syndrome. Also called: Neoplastic Syndromes, Hereditary; Tumor predisposition; Hereditary Cancer Syndrome; Hereditary neoplastic syndrome. Identifiers: Orphanet 140162, MedGen C0027672, MeSH D009386, MONDO:0015356.
Lynch syndrome 4 (LYNCH4). Also called: Colorectal cancer, hereditary nonpolyposis, type 4; Hereditary non-polyposis colorectal cancer, type 4. Identifiers: Orphanet 144, MedGen C1838333, MONDO:0013699, OMIM 614337. Disease mechanism: loss of function.

Submissions (2):

Myriad Genetics, Inc.
Classification: Pathogenic for Lynch syndrome 4. Last evaluated: 2023-09-20. Review status: criteria provided, single submitter. Criteria: Myriad Autosomal Dominant, Autosomal Recessive and X-Linked Classification Criteria (2023). Collection method: clinical testing. Allele origin: unknown.
Comment: This variant is considered pathogenic. This variant creates a frameshift predicted to result in premature protein truncation.

Color Diagnostics, LLC DBA Color Health
Classification: Pathogenic for Hereditary cancer-predisposing syndrome. Last evaluated: 2020-01-15. Review status: criteria provided, single submitter. Criteria: ACMG Guidelines, 2015. Collection method: clinical testing. Allele origin: germline.
Comment: This variant deletes 1 nucleotide in exon 11 of the PMS2 gene, creating a frameshift and premature translation stop signal. This variant is expected to result in an absent or non-functional protein product. This variant has not been identified in the general population by the Genome Aggregation Database (gnomAD). Loss of PMS2 function is a known mechanism of disease. Based on the available evidence, this variant is classified as Pathogenic.